The following is an entry in ClinVar:

ClinVar aggregate classification (germline): Benign. Review status: criteria provided, multiple submitters, no conflicts (2 of 4 stars). 2 submissions from 2 submitters: Benign (2). Last evaluated 2018-01-13.

Conditions:
Pulmonary hypertension, primary, 1 (PPH1). Also called: Pulmonary hypertension, familial primary, 1, with or without HHT. Identifiers: Orphanet 422, MedGen C4552070, MONDO:0024533, OMIM 178600.

Allele frequency attached by ClinVar (database versions not stated): 1000 Genomes Project 0.09185; 1000 Genomes Project 30x 0.09494; TOPMed 0.11332.

Submissions (2):

Illumina Laboratory Services, Illumina
Classification: Benign for Pulmonary hypertension, primary, 1. Last evaluated: 2018-01-13. Review status: criteria provided, single submitter. Criteria: ICSL Variant Classification Criteria 13 December 2019. Collection method: clinical testing. Allele origin: germline.
Comment: This variant was observed in the ICSL laboratory as part of a predisposition screen in an ostensibly healthy population. It had not been previously curated by ICSL or reported in the Human Gene Mutation Database (HGMD: prior to June 1st, 2018), and was therefore a candidate for classification through an automated scoring system. Utilizing variant allele frequency, disease prevalence and penetrance estimates, and inheritance mode, an automated score was calculated to assess if this variant is too frequent to cause the disease. Based on the score and internal cut-off values, a variant classified as benign is not then subjected to further curation. The score for this variant resulted in a classification of benign for this disease.

Breakthrough Genomics
Classification: Benign. Review status: criteria provided, single submitter. Criteria: ACMG Guidelines, 2015. Collection method: not provided. Allele origin: germline. Inheritance: Autosomal dominant inheritance. Affected: yes.

NM_001204.7(BMPR2):c.*5998G>A

Gene: BMPR2 (bone morphogenetic protein receptor type 2; plus strand). Cytogenetic location: 2q33.2.
Variant type: single nucleotide variant.
Coding change: c.*5998G>A on transcript NM_001204.7 (MANE Select); 5998 bases downstream of the stop codon, G replaced by A.
Molecular consequence: 3 prime UTR variant.
Genome position (GRCh38, 1-based): chr2:202,565,944, G>A. VCF-style: chr2-202565944-G-A. GRCh37 (hg19) VCF-style: chr2-203430667-G-A.
Other names: c.*5998G>A (LRG_712t1).
Identifiers: ClinVar variation 333717 (VCV000333717.6), dbSNP rs7600694, ClinGen allele CA10612096.